The following is an entry in ClinVar:

ClinVar aggregate classification (germline): Uncertain significance (1 of 4 stars; one submission).

Conditions:
Coffin-Siris syndrome 8. Identifiers: MedGen C5193054, MONDO:0032702, OMIM 618362.

Submission:

Laboratorio de Genetica e Diagnostico Molecular, Hospital Israelita Albert Einstein
Classification: Uncertain significance for Coffin-Siris syndrome 8. Last evaluated: 2025-08-28. Review status: criteria provided, single submitter. Criteria: ACMG Guidelines, 2015. Collection method: clinical testing. Allele origin: germline. Affected: yes.
Comment: ACMG classification criteria: PM2 supporting, PP2 supporting, BP4 supporting

NM_001330288.2(SMARCC2):c.1652G>A (p.Gly551Asp)

Gene: SMARCC2 (SWI/SNF related BAF chromatin remodeling complex subunit C2; minus strand). Cytogenetic location: 12q13.2.
Variant type: single nucleotide variant.
Coding change: c.1652G>A on transcript NM_001330288.2 (MANE Select); coding-DNA position 1652, G replaced by A.
Protein change: p.Gly551Asp; replaces glycine 551 with aspartic acid.
Molecular consequence: missense variant. On other transcripts: intron variant (1).
Genome position (GRCh38, 1-based): chr12:56,173,028, C>T on the plus strand (G>A on the coding strand, the complement: SMARCC2 is on the minus strand). VCF-style: chr12-56173028-C-T. GRCh37 (hg19) VCF-style: chr12-56566812-C-T.
Other names: c.1652G>A, p.Gly551Asp (NM_001130420.3, NM_139067.4); c.1651-324G>A (NM_003075.5); short protein forms G551D.
Identifiers: ClinVar variation 4846936 (VCV004846936.1).